The following is an entry in ClinVar:

ClinVar aggregate classification (germline): Pathogenic. Review status: criteria provided, multiple submitters, no conflicts (2 of 4 stars). 3 submissions from 3 submitters: Pathogenic (2). 1 of the submissions does not count toward it. Last evaluated 2023-11-06.

Conditions:
Combined immunodeficiency due to DOCK8 deficiency (HIES2). Also called: HIES autosomal recessive; Hyper-IgE recurrent infection syndrome, autosomal recessive; HYPER-IgE RECURRENT INFECTION SYNDROME 2, AUTOSOMAL RECESSIVE; HYPER-IgE SYNDROME 2, AUTOSOMAL RECESSIVE, WITH RECURRENT INFECTIONS; DOCK8 Deficiency. Identifiers: Orphanet 217390, MedGen C4722305, MONDO:0009478, OMIM 243700.

Allele frequency attached by ClinVar (database versions not stated): gnomAD exomes below 0.00001 and 0.00001; gnomAD 0.00001; ExAC 0.00002.

Submissions (3):

Labcorp Genetics (formerly Invitae), Labcorp
Classification: Pathogenic for Combined immunodeficiency due to DOCK8 deficiency. Last evaluated: 2023-11-06. Review status: criteria provided, single submitter. Criteria: Invitae Variant Classification Sherloc (09022015). Collection method: clinical testing. Allele origin: germline.
Comment: This sequence change creates a premature translational stop signal (p.Leu284Valfs*10) in the DOCK8 gene. It is expected to result in an absent or disrupted protein product. Loss-of-function variants in DOCK8 are known to be pathogenic (PMID: 14722525, 19776401). This variant is present in population databases (rs762990689, gnomAD 0.003%). This premature translational stop signal has been observed in individual(s) with DOCK8 deficiency (PMID: 23380217). This variant is also known as c.850_851delCT (p.L284fsX293). ClinVar contains an entry for this variant (Variation ID: 817037). For these reasons, this variant has been classified as Pathogenic.

GeneDx
Classification: Pathogenic. Last evaluated: 2021-04-19. Review status: criteria provided, single submitter. Criteria: GeneDx Variant Classification Process June 2021. Collection method: clinical testing. Allele origin: germline. Affected: yes.
Comment: Frameshift variant predicted to result in protein truncation or nonsense mediated decay in a gene for which loss-of-function is a known mechanism of disease; Not observed at a significant frequency in large population cohorts (Lek et al., 2016); This variant is associated with the following publications: (PMID: 23380217, 29419892, 33225392, 33290277)

OMIM
Classification: Pathogenic for HYPER-IgE SYNDROME 2, AUTOSOMAL RECESSIVE, WITH RECURRENT INFECTIONS. Last evaluated: 2023-10-05. Review status: no assertion criteria provided. Collection method: literature only. Allele origin: germline. Not counted in ClinVar's aggregate classification.

Literature cited by the submitters: PubMed 14722525 (cited by Labcorp Genetics (formerly Invitae), Labcorp); PubMed 19776401 (cited by Labcorp Genetics (formerly Invitae), Labcorp); PubMed 23380217 (cited by Labcorp Genetics (formerly Invitae), Labcorp); PubMed 33290277 (cited by OMIM).

NM_203447.4(DOCK8):c.850_851del (p.Leu284fs)

Gene: DOCK8 (dedicator of cytokinesis 8; plus strand). Cytogenetic location: 9p24.3.
Variant type: Deletion.
Coding change: c.850_851del on transcript NM_203447.4 (MANE Select); coding-DNA positions 850 to 851, 2 bases deleted (CT; older notation c.850_851delCT).
Protein change: p.Leu284fs; shifts the reading frame from leucine 284.
Molecular consequence: frameshift variant.
Genome position (GRCh38, 1-based): chr9:325,693-325,694, CT deleted. VCF-style (leftmost placement, unchanged base first): chr9-325692-CCT-C. GRCh37 (hg19) VCF-style: chr9-325692-CCT-C.
Other names: c.850_851delCT (NM_203447.3); c.646_647del, p.Leu216fs (NM_001190458.2, NM_001193536.2); short protein forms L216fs, L284fs.
Identifiers: ClinVar variation 817037 (VCV000817037.12), dbSNP rs762990689, ClinGen allele CA4957491.